The following is an entry in ClinVar:

ClinVar aggregate classification (germline): Uncertain significance (1 of 4 stars; one submission).

Conditions:
DiGeorge syndrome. Also called: Catch22; THIRD AND FOURTH PHARYNGEAL POUCH SYNDROME. Identifiers: Orphanet 567, MedGen C0012236, MONDO:0008564, OMIM 188400.

Submission:

Labcorp Genetics (formerly Invitae), Labcorp
Classification: Uncertain significance for DiGeorge syndrome. Last evaluated: 2023-10-05. Review status: criteria provided, single submitter. Criteria: Invitae Variant Classification Sherloc (09022015). Collection method: clinical testing. Allele origin: germline.
Comment: This sequence change replaces serine, which is neutral and polar, with threonine, which is neutral and polar, at codon 92 of the TBX1 protein (p.Ser92Thr). This variant is not present in population databases (gnomAD no frequency). This variant has not been reported in the literature in individuals affected with TBX1-related conditions. Advanced modeling of protein sequence and biophysical properties (such as structural, functional, and spatial information, amino acid conservation, physicochemical variation, residue mobility, and thermodynamic stability) performed at Invitae indicates that this missense variant is not expected to disrupt TBX1 protein function. In summary, the available evidence is currently insufficient to determine the role of this variant in disease. Therefore, it has been classified as a Variant of Uncertain Significance.

NM_001379200.1(TBX1):c.302G>C (p.Ser101Thr)

Gene: TBX1 (T-box transcription factor 1; plus strand). Cytogenetic location: 22q11.21.
Variant type: single nucleotide variant.
Coding change: c.302G>C on transcript NM_001379200.1 (MANE Select); coding-DNA position 302, G replaced by C.
Protein change: p.Ser101Thr; replaces serine 101 with threonine.
Molecular consequence: missense variant.
Genome position (GRCh38, 1-based): chr22:19,761,145, G>C. VCF-style: chr22-19761145-G-C. GRCh37 (hg19) VCF-style: chr22-19748668-G-C.
Other names: c.275G>C, p.Ser92Thr (NM_005992.1, NM_080646.2, NM_080647.1); short protein forms S101T, S92T.
Identifiers: ClinVar variation 2750002 (VCV002750002.3), dbSNP rs2145828374, ClinGen allele CA410681568.